The following is an entry in ClinVar:

ClinVar aggregate classification (germline): Uncertain significance (1 of 4 stars; one submission).

gnomAD v4.1: 13 of 1,613,886 alleles (0.00081%); highest among the groups gnomAD compares: South Asian, 0.0033%; no homozygotes.

Submission:

Labcorp Genetics (formerly Invitae), Labcorp
Classification: Uncertain significance. Last evaluated: 2024-07-19. Review status: criteria provided, single submitter. Criteria: Invitae Variant Classification Sherloc (09022015). Collection method: clinical testing. Allele origin: germline.
Comment: This sequence change replaces arginine, which is basic and polar, with tryptophan, which is neutral and slightly polar, at codon 138 of the COL10A1 protein (p.Arg138Trp). This variant is present in population databases (rs781359017, gnomAD 0.003%). This variant has not been reported in the literature in individuals affected with COL10A1-related conditions. Advanced modeling of protein sequence and biophysical properties (such as structural, functional, and spatial information, amino acid conservation, physicochemical variation, residue mobility, and thermodynamic stability) has been performed at Invitae for this missense variant, however the output from this modeling did not meet the statistical confidence thresholds required to predict the impact of this variant on COL10A1 protein function. In summary, the available evidence is currently insufficient to determine the role of this variant in disease. Therefore, it has been classified as a Variant of Uncertain Significance.

NM_000493.4(COL10A1):c.412C>T (p.Arg138Trp)

Genes: COL10A1 (collagen type X alpha 1 chain; minus strand), NT5DC1 (5'-nucleotidase domain containing 1; plus strand). Cytogenetic location: 6q22.1.
Variant type: single nucleotide variant.
Coding change: c.412C>T on transcript NM_000493.4 (MANE Select); coding-DNA position 412, C replaced by T.
Protein change: p.Arg138Trp; replaces arginine 138 with tryptophan.
Molecular consequence: missense variant. On other transcripts: intron variant (1).
Genome position (GRCh38, 1-based): chr6:116,121,704, G>A on the plus strand (C>T on the coding strand, the complement: COL10A1 is on the minus strand). VCF-style: chr6-116121704-G-A. GRCh37 (hg19) VCF-style: chr6-116442867-G-A.
Other names: c.412C>T, p.Arg138Trp (NM_001424106.1, NM_001424107.1); c.529+3759G>A (NM_152729.3); short protein forms R138W.
Identifiers: ClinVar variation 3619789 (VCV003619789.2).
Genomic context (GRCh38, chr6:116,121,704, plus strand): 5'-GTTTTCCTGGCACAGAAATTCCAGCCGGTCCAGGGATTCCAGGTGGTCCTGGTGGGCCCC[G>A]GGGTCCTGGTAGGCCAGCTGGTCCAACATCTCCTTTTGGTCCATATGGTCCTCTCTCTCC-3'
Protein context (NP_000484.2, residues 128-148): DVGPAGLPGP[Arg138Trp]GPPGPPGIPG